The following is an entry in ClinVar:

NM_000212.3(ITGB3):c.1800G>A (p.Leu600=)

Gene: ITGB3 (integrin subunit beta 3; plus strand). Cytogenetic location: 17q21.32.
Variant type: single nucleotide variant.
Coding change: c.1800G>A on transcript NM_000212.3 (MANE Select); coding-DNA position 1800, G replaced by A.
Protein change: p.Leu600=; no amino-acid change (leucine 600 retained).
Molecular consequence: synonymous variant.
Genome position (GRCh38, 1-based): chr17:47,299,417, G>A. VCF-style: chr17-47299417-G-A. GRCh37 (hg19) VCF-style: chr17-45376783-G-A.
Other names: NM_000212.3(ITGB3):c.1800G>A; p.Leu600=.
Identifiers: ClinVar variation 695455 (VCV000695455.15), dbSNP rs139884210, ClinGen allele CA8623360.

ClinVar aggregate classification (germline): Uncertain significance. Review status: reviewed by expert panel (3 of 4 stars). 5 submissions from 5 submitters: Uncertain significance (1). 4 of the submissions do not count toward it. Last evaluated 2024-04-16.

Conditions:
ITGB3-related disorder. Also called: ITGB3-related condition.
Glanzmann thrombasthenia. Also called: THROMBASTHENIA OF GLANZMANN AND NAEGELI; Glanzmann's thrombasthenia; Thrombasthenia; PLATELET GLYCOPROTEIN IIb-IIIa DEFICIENCY. Identifiers: Orphanet 849, MedGen C0040015, MONDO:0100326.

Allele frequency attached by ClinVar (database versions not stated): 1000 Genomes Project 30x 0.00016; gnomAD 0.00037 and 0.00038; ESP Exome Variant Server 0.00038; TOPMed 0.00043; ExAC 0.00050; gnomAD exomes 0.00063.
gnomAD v4.1: 529 of 1,614,278 alleles (0.033%); highest among the groups gnomAD compares: Middle Eastern, 0.033%; 5 homozygotes.

Submissions (5):

ClinGen Platelet Disorders Variant Curation Expert Panel, ClinGen
Classification: Uncertain significance for Glanzmann thrombasthenia. Last evaluated: 2024-04-16. Review status: reviewed by expert panel. Criteria: ClinGen Platelet ACMG Specifications v2-1. Collection method: curation. Allele origin: germline. Inheritance: Autosomal recessive inheritance.
Comment: The NM_000212.3(ITGB3):c.1800G>A (p.Leu600=) synonymous variant was observed by Illumina as part of a predisposition screen in an ostensibly healthy population but has not been reported in a GT patient. The variant occurs at an allele frequency greater than expected for the disorder with a MAF of 0.01233 (365/29608 alleles, with 5 homozygotes) in the gnomADv4.0.0 Ashkenazi Jewish population (BS1). It is not predicted to have an impact on splicing consensus sites but the nucleotide is highly conserved. In summary there is insufficient evidence resulting in a classification of Uncertain Significance. GT-specific criteria applied: BS1.

Labcorp Genetics (formerly Invitae), Labcorp
Classification: Benign. Last evaluated: 2026-01-26. Review status: criteria provided, single submitter. Criteria: Invitae Variant Classification Sherloc (09022015). Collection method: clinical testing. Allele origin: germline. Not counted in ClinVar's aggregate classification.

Blueprint Genetics
Classification: Likely benign. Last evaluated: 2024-06-19. Review status: criteria provided, single submitter. Criteria: ACMG Guidelines, 2015. Collection method: clinical testing. Allele origin: germline. Not counted in ClinVar's aggregate classification.

Illumina Laboratory Services, Illumina
Classification: Uncertain significance for Glanzmann thrombasthenia 1. Last evaluated: 2018-01-12. Review status: criteria provided, single submitter. Criteria: ICSL Variant Classification Criteria 13 December 2019. Collection method: clinical testing. Allele origin: germline. Not counted in ClinVar's aggregate classification.

PreventionGenetics, part of Exact Sciences
Classification: Likely benign for ITGB3-related condition. Last evaluated: 2024-07-11. Review status: no assertion criteria provided. Collection method: clinical testing. Allele origin: germline. Not counted in ClinVar's aggregate classification.
Comment: This variant is classified as likely benign based on ACMG/AMP sequence variant interpretation guidelines (Richards et al. 2015 PMID: 25741868, with internal and published modifications).